The following is an entry in ClinVar:

NM_152564.5(VPS13B):c.9493C>T (p.Pro3165Ser)

Gene: VPS13B (vacuolar protein sorting 13 homolog B; plus strand). Cytogenetic location: 8q22.2.
Variant type: single nucleotide variant.
Coding change: c.9493C>T on transcript NM_152564.5 (MANE Select); coding-DNA position 9493, C replaced by T.
Protein change: p.Pro3165Ser; replaces proline 3165 with serine.
Molecular consequence: missense variant.
Genome position (GRCh38, 1-based): chr8:99,832,531, C>T. VCF-style: chr8-99832531-C-T. GRCh37 (hg19) VCF-style: chr8-100844759-C-T.
Other names: c.9568C>T, p.Pro3190Ser (NM_017890.5); short protein forms P3165S, P3190S.
Identifiers: ClinVar variation 1936007 (VCV001936007.3), dbSNP rs769465745, ClinGen allele CA182337275.

ClinVar aggregate classification (germline): Uncertain significance (1 of 4 stars; one submission).

Conditions:
Cohen syndrome (COH1). Also called: Cutis verticis gyrata, retinitis pigmentosa, and sensorineural deafness; PEPPER SYNDROME. Identifiers: Orphanet 193, MedGen C0265223, MONDO:0008999, OMIM 216550.

Allele frequency attached by ClinVar (database versions not stated): gnomAD exomes below 0.00001; TOPMed below 0.00001.
gnomAD v4.1: 6 of 1,613,762 alleles (0.00037%); highest among the groups gnomAD compares: East Asian, 0.0022%; no homozygotes.

Submission:

Labcorp Genetics (formerly Invitae), Labcorp
Classification: Uncertain significance for Cohen syndrome. Last evaluated: 2022-06-05. Review status: criteria provided, single submitter. Criteria: Invitae Variant Classification Sherloc (09022015). Collection method: clinical testing. Allele origin: germline.
Comment: This variant has not been reported in the literature in individuals affected with VPS13B-related conditions. This variant is not present in population databases (gnomAD no frequency). This sequence change replaces proline, which is neutral and non-polar, with serine, which is neutral and polar, at codon 3190 of the VPS13B protein (p.Pro3190Ser). Algorithms developed to predict the effect of missense changes on protein structure and function output the following: SIFT: "Not Available"; PolyPhen-2: "Benign"; Align-GVGD: "Not Available". The serine amino acid residue is found in multiple mammalian species, which suggests that this missense change does not adversely affect protein function. In summary, the available evidence is currently insufficient to determine the role of this variant in disease. Therefore, it has been classified as a Variant of Uncertain Significance.